The following is an entry in ClinVar:

NM_032634.4(PIGO):c.2990G>T (p.Arg997Leu)

Gene: PIGO (phosphatidylinositol glycan anchor biosynthesis class O; minus strand). Cytogenetic location: 9p13.3.
Variant type: single nucleotide variant.
Coding change: c.2990G>T on transcript NM_032634.4 (MANE Select); coding-DNA position 2990, G replaced by T.
Protein change: p.Arg997Leu; replaces arginine 997 with leucine.
Molecular consequence: missense variant.
Genome position (GRCh38, 1-based): chr9:35,090,145, C>A on the plus strand (G>T on the coding strand, the complement: PIGO is on the minus strand). VCF-style: chr9-35090145-C-A. GRCh37 (hg19) VCF-style: chr9-35090142-C-A.
Other names: c.1739G>T, p.Arg580Leu (NM_001201484.2, NM_152850.4); short protein forms R580L, R997L.
Identifiers: ClinVar variation 1478202 (VCV001478202.8), dbSNP rs770280569, ClinGen allele CA373317729.

ClinVar aggregate classification (germline): Uncertain significance (1 of 4 stars; one submission).

Conditions:
Hyperphosphatasia with impaired intellectual development syndrome 2. Also called: Hyperphosphatasia with intellectual disability syndrome 2; GLYCOSYLPHOSPHATIDYLINOSITOL BIOSYNTHESIS DEFECT 6. Identifiers: Orphanet 247262, MedGen C3553637, MONDO:0013882, OMIM 614749.

gnomAD v4.1: 2 of 1,614,236 alleles (0.00012%); highest among the groups gnomAD compares: Non-Finnish European, 0.00017%; no homozygotes.

Submission:

Labcorp Genetics (formerly Invitae), Labcorp
Classification: Uncertain significance for Hyperphosphatasia with impaired intellectual development syndrome 2. Last evaluated: 2022-08-15. Review status: criteria provided, single submitter. Criteria: Invitae Variant Classification Sherloc (09022015). Collection method: clinical testing. Allele origin: germline.
Comment: This sequence change replaces arginine, which is basic and polar, with leucine, which is neutral and non-polar, at codon 997 of the PIGO protein (p.Arg997Leu). In summary, the available evidence is currently insufficient to determine the role of this variant in disease. Therefore, it has been classified as a Variant of Uncertain Significance. Algorithms developed to predict the effect of missense changes on protein structure and function are either unavailable or do not agree on the potential impact of this missense change (SIFT: "Deleterious"; PolyPhen-2: "Probably Damaging"; Align-GVGD: "Class C0"). ClinVar contains an entry for this variant (Variation ID: 1478202). This variant has not been reported in the literature in individuals affected with PIGO-related conditions. This variant is not present in population databases (gnomAD no frequency).